The following is an entry in ClinVar:

NM_024422.6(DSC2):c.2434G>C (p.Gly812Arg)

Gene: DSC2 (desmocollin 2; minus strand). Cytogenetic location: 18q12.1.
Variant type: single nucleotide variant.
Coding change: c.2434G>C on transcript NM_024422.6 (MANE Select); coding-DNA position 2434, G replaced by C.
Protein change: p.Gly812Arg; replaces glycine 812 with arginine.
Molecular consequence: missense variant.
Genome position (GRCh38, 1-based): chr18:31,068,968, C>G on the plus strand (G>C on the coding strand, the complement: DSC2 is on the minus strand). VCF-style: chr18-31068968-C-G. GRCh37 (hg19) VCF-style: chr18-28648934-C-G.
Other names: c.2005G>C, p.Gly669Arg (NM_001406506.1, NM_001406507.1); c.2434G>C, p.Gly812Arg (NM_004949.5); short protein forms G669R, G812R.
Identifiers: ClinVar variation 3073323 (VCV003073323.1), dbSNP rs1986726455, ClinGen allele CA402111284.

ClinVar aggregate classification (germline): Uncertain significance (1 of 4 stars; one submission).

Conditions:
Familial isolated arrhythmogenic right ventricular dysplasia. Identifiers: Orphanet 217656, MedGen C4274968, MONDO:0016342.

Submission:

All of Us Research Program, National Institutes of Health
Classification: Uncertain significance for Familial isolated arrhythmogenic right ventricular dysplasia. Last evaluated: 2023-09-04. Review status: criteria provided, single submitter. Criteria: ACMG Guidelines, 2015. Collection method: clinical testing. Allele origin: germline. Inheritance: Autosomal dominant inheritance. Observed: 1 variant allele, 1 heterozygote.
Comment: This missense variant replaces glycine with arginine at codon 812 of the DSC2 protein. Computational prediction is inconclusive regarding the impact of this variant on protein structure and function (internally defined REVEL score threshold 0.5 < inconclusive < 0.7, PMID: 27666373). To our knowledge, functional studies have not been reported for this variant. This variant has not been reported in individuals affected with DSC2-related disorders in the literature. This variant has not been identified in the general population by the Genome Aggregation Database (gnomAD). The available evidence is insufficient to determine the role of this variant in disease conclusively. Therefore, this variant is classified as a Variant of Uncertain Significance.

This study involves interpretation of variants in research participants for the purpose of population health screening. Participant phenotype was not available at the time of variant classification. Additional details can be found in publication PMID: 35346344, PMCID: PMC8962531